The following is an entry in ClinVar:

ClinVar aggregate classification (germline): Uncertain significance (1 of 4 stars; one submission).

gnomAD v4.1: 14 of 1,614,110 alleles (0.00087%); highest among the groups gnomAD compares: African/African-American, 0.0027%; no homozygotes.

Submission:

Labcorp Genetics (formerly Invitae), Labcorp
Classification: Uncertain significance. Last evaluated: 2025-10-03. Review status: criteria provided, single submitter. Criteria: Invitae Variant Classification Sherloc (09022015). Collection method: clinical testing. Allele origin: germline.
Comment: This sequence change replaces aspartic acid, which is acidic and polar, with asparagine, which is neutral and polar, at codon 322 of the IRF4 protein (p.Asp322Asn). This variant is present in population databases (no rsID available, gnomAD 0.0009%). This variant has not been reported in the literature in individuals affected with IRF4-related conditions. ClinVar contains an entry for this variant (Variation ID: 3677475). An algorithm developed to predict the effect of missense changes on protein structure and function (PolyPhen-2) suggests that this variant is likely to be disruptive. In summary, the available evidence is currently insufficient to determine the role of this variant in disease. Therefore, it has been classified as a Variant of Uncertain Significance.

NM_002460.4(IRF4):c.964G>A (p.Asp322Asn)

Gene: IRF4 (interferon regulatory factor 4; plus strand). Cytogenetic location: 6p25.3.
Variant type: single nucleotide variant.
Coding change: c.964G>A on transcript NM_002460.4 (MANE Select); coding-DNA position 964, G replaced by A.
Protein change: p.Asp322Asn; replaces aspartic acid 322 with asparagine.
Molecular consequence: missense variant. On other transcripts: non-coding transcript variant (1).
Genome position (GRCh38, 1-based): chr6:401,642, G>A. VCF-style: chr6-401642-G-A. GRCh37 (hg19) VCF-style: chr6-401642-G-A.
Other names: c.961G>A, p.Asp321Asn (NM_001195286.2); short protein forms D321N, D322N.
Identifiers: ClinVar variation 3677475 (VCV003677475.2).